The following is an entry in ClinVar:

NM_182746.3(MCM4):c.787T>C (p.Phe263Leu)

Gene: MCM4 (minichromosome maintenance complex component 4; plus strand). Cytogenetic location: 8q11.21.
Variant type: single nucleotide variant.
Coding change: c.787T>C on transcript NM_182746.3 (MANE Select); coding-DNA position 787, T replaced by C.
Protein change: p.Phe263Leu; replaces phenylalanine 263 with leucine.
Molecular consequence: missense variant.
Genome position (GRCh38, 1-based): chr8:47,964,667, T>C. VCF-style: chr8-47964667-T-C. GRCh37 (hg19) VCF-style: chr8-48877227-T-C.
Other names: c.787T>C, p.Phe263Leu (NM_005914.4); short protein forms F263L.
Identifiers: ClinVar variation 2414777 (VCV002414777.4), dbSNP rs145966797, ClinGen allele CA4742421.
Genomic context (GRCh38, chr8:47,964,667, plus strand): 5'-GAAATCTTCTTTGACCGTTACCCTGACTCAATCTTAGAACATCAGATTCAAGTAAGACCA[T>C]TCAACGCATTGAAGACTAAGAATATGAGAAACCTGAATCCAGAAGGTAATGTATTTTTCA-3'
Protein context (NP_877423.1, residues 253-273): ILEHQIQVRP[Phe263Leu]NALKTKNMRN

ClinVar aggregate classification (germline): Uncertain significance (1 of 4 stars; one submission).

Allele frequency attached by ClinVar (database versions not stated): gnomAD exomes 0.00001; gnomAD 0.00007; ExAC 0.00009; TOPMed 0.00013; ESP Exome Variant Server 0.00031; 1000 Genomes Project 0.00060; 1000 Genomes Project 30x 0.00094.
gnomAD v4.1: 29 of 1,603,032 alleles (0.0018%); highest among the groups gnomAD compares: African/African-American, 0.039%; no homozygotes.

Submission:

Labcorp Genetics (formerly Invitae), Labcorp
Classification: Uncertain significance. Last evaluated: 2023-09-12. Review status: criteria provided, single submitter. Criteria: Invitae Variant Classification Sherloc (09022015). Collection method: clinical testing. Allele origin: germline.
Comment: This variant is present in population databases (rs145966797, gnomAD 0.05%). This sequence change replaces phenylalanine, which is neutral and non-polar, with leucine, which is neutral and non-polar, at codon 263 of the MCM4 protein (p.Phe263Leu). This variant has not been reported in the literature in individuals affected with MCM4-related conditions. ClinVar contains an entry for this variant (Variation ID: 2414777). Advanced modeling of protein sequence and biophysical properties (such as structural, functional, and spatial information, amino acid conservation, physicochemical variation, residue mobility, and thermodynamic stability) has been performed at Invitae for this missense variant, however the output from this modeling did not meet the statistical confidence thresholds required to predict the impact of this variant on MCM4 protein function. In summary, the available evidence is currently insufficient to determine the role of this variant in disease. Therefore, it has been classified as a Variant of Uncertain Significance.